The following is an entry in ClinVar:

NM_006005.3(WFS1):c.2529_2546del (p.Lys843_Leu848del)

Gene: WFS1 (wolframin ER transmembrane glycoprotein; plus strand). Cytogenetic location: 4p16.1.
Variant type: Deletion.
Coding change: c.2529_2546del on transcript NM_006005.3 (MANE Select); coding-DNA positions 2529 to 2546, 18 bases deleted (GGCCATCAGCTGCCTCAA).
Protein change: p.Lys843_Leu848del.
Genome position (GRCh38, 1-based): chr4:6,302,324-6,302,341, GGCCATCAGCTGCCTCAA deleted; deleting any 18 consecutive bases within chr4:6,302,319-6,302,341 gives the same sequence; the c. name uses the placement nearest the transcript's 3' end. VCF-style (leftmost placement, unchanged base first): chr4-6302318-GCTCAAGGCCATCAGCTGC-G. GRCh37 (hg19) VCF-style: chr4-6304045-GCTCAAGGCCATCAGCTGC-G.
Other names: c.2529_2546del, p.Lys843_Leu848del (NM_001145853.1).
Identifiers: ClinVar variation 3767240 (VCV003767240.1).
Genomic context (GRCh38, chr4:6,302,318, plus strand): 5'-CCTCATCGAGTTCAGCACCATCCTGGAGGGCCGCCTGGGCAGCAAGTGGCCTGTCTTCGA[GCTCAAGGCCATCAGCTGC>G]CTCAACTGCATGGCCCAGCTCTCACCCACCAGGCGGCACGTGAAGATCGAGCACGACTGG-3'

ClinVar aggregate classification (germline): Likely pathogenic (1 of 4 stars; one submission).

Conditions:
Neurodevelopmental abnormality. Identifiers: MedGen C4022737, HP:0012759.

Submission:

Clinical Genetics Laboratory, Skane University Hospital Lund
Classification: Likely pathogenic for Neurodevelopmental abnormality. Last evaluated: 2024-05-30. Review status: criteria provided, single submitter. Criteria: ACMG Guidelines, 2015. Collection method: clinical testing. Allele origin: germline. Affected: yes.
Comment: PM2, PM3, PM4